The following is an entry in ClinVar:

ClinVar aggregate classification (germline): Uncertain significance (1 of 4 stars; one submission).

Conditions:
Cystic fibrosis (CF). Also called: MUCOVISCIDOSIS. Identifiers: Orphanet 586, MedGen C0010674, MONDO:0009061, OMIM 219700. Disease mechanism: loss of function.

Submission:

Ambry Genetics
Classification: Uncertain significance for Cystic fibrosis. Last evaluated: 2023-12-19. Review status: criteria provided, single submitter. Criteria: Ambry Variant Classification Scheme 2023. Collection method: clinical testing. Allele origin: germline.
Comment: The p.N187H variant (also known as c.559A>C), located in coding exon 5 of the CFTR gene, results from an A to C substitution at nucleotide position 559. The asparagine at codon 187 is replaced by histidine, an amino acid with similar properties. This amino acid position is conserved. In addition, the in silico prediction for this alteration is inconclusive. Since supporting evidence is limited at this time, the clinical significance of this alteration remains unclear.

NM_000492.4(CFTR):c.559A>C (p.Asn187His)

Gene: CFTR (CF transmembrane conductance regulator; plus strand). Cytogenetic location: 7q31.2.
Variant type: single nucleotide variant.
Coding change: c.559A>C on transcript NM_000492.4 (MANE Select); coding-DNA position 559, A replaced by C.
Protein change: p.Asn187His; replaces asparagine 187 with histidine.
Molecular consequence: missense variant.
Genome position (GRCh38, 1-based): chr7:117,534,345, A>C. VCF-style: chr7-117534345-A-C. GRCh37 (hg19) VCF-style: chr7-117174399-A-C.
Other names: short protein forms N187H.
Identifiers: ClinVar variation 3231927 (VCV003231927.1), dbSNP rs1798913477, ClinGen allele CA368976534.
Genomic context (GRCh38, chr7:117,534,345, plus strand): 5'-CTGTCAAGCCGTGTTCTAGATAAAATAAGTATTGGACAACTTGTTAGTCTCCTTTCCAAC[A>C]ACCTGAACAAATTTGATGAAGTATGTACCTATTGATTTAATCTTTTAGGCACTATTGTTA-3'
Protein context (NP_000483.3, residues 177-197): IGQLVSLLSN[Asn187His]LNKFDEGLAL